The following is an entry in ClinVar:

NM_000062.3(SERPING1):c.1046T>G (p.Leu349Arg)

Gene: SERPING1 (serpin family G member 1; plus strand). Cytogenetic location: 11q12.1.
Variant type: single nucleotide variant.
Coding change: c.1046T>G on transcript NM_000062.3 (MANE Select); coding-DNA position 1046, T replaced by G.
Protein change: p.Leu349Arg; replaces leucine 349 with arginine.
Molecular consequence: missense variant.
Genome position (GRCh38, 1-based): chr11:57,611,733, T>G. VCF-style: chr11-57611733-T-G. GRCh37 (hg19) VCF-style: chr11-57379206-T-G.
Other names: c.1046T>G, p.Leu349Arg (NM_001032295.2); short protein forms L349R.
Identifiers: ClinVar variation 4718434 (VCV004718434.1).

ClinVar aggregate classification (germline): Uncertain significance (1 of 4 stars; one submission).

Submission:

Labcorp Genetics (formerly Invitae), Labcorp
Classification: Uncertain significance. Last evaluated: 2025-10-24. Review status: criteria provided, single submitter. Criteria: Invitae Variant Classification Sherloc (09022015). Collection method: clinical testing. Allele origin: germline.
Comment: This sequence change replaces leucine, which is neutral and non-polar, with arginine, which is basic and polar, at codon 349 of the SERPING1 protein (p.Leu349Arg). This variant is not present in population databases (gnomAD no frequency). This variant has not been reported in the literature in individuals affected with SERPING1-related conditions. Invitae Evidence Modeling of protein sequence and biophysical properties (such as structural, functional, and spatial information, amino acid conservation, physicochemical variation, residue mobility, and thermodynamic stability) indicates that this missense variant is expected to disrupt SERPING1 protein function with a positive predictive value of 80%. In summary, the available evidence is currently insufficient to determine the role of this variant in disease. Therefore, it has been classified as a Variant of Uncertain Significance.